The following is an entry in ClinVar:

ClinVar aggregate classification (germline): Likely pathogenic (1 of 4 stars; one submission).

Conditions:
Hypertrophic cardiomyopathy. Also called: HYPERTROPHIC MYOCARDIOPATHY. Identifiers: Orphanet 217569, MedGen C0007194, MeSH D002312, MONDO:0005045, HP:0001639.

Submission:

Laboratory for Molecular Medicine, Mass General Brigham Personalized Medicine
Classification: Likely pathogenic for Hypertrophic cardiomyopathy. Last evaluated: 2017-06-16. Review status: criteria provided, single submitter. Criteria: LMM Criteria. Collection method: clinical testing. Allele origin: germline. Inheritance: Autosomal dominant inheritance. Observed: 2 variant alleles.
Comment: This MYBPC3 variant is an in-frame deletion of exons 2-12, which is predicted to truncate the protein by 355 amino acids, though its exact breakpoints cannot be determined due to limitations of the testing methodology. This deletion removes domains that are critical for correct function of the protein (Flashman 2004, K ampourakis 2014) and it is expected to lead to a loss of function of the MYBPC3 protein. However, large MYBPC3 deletions are rare and have not been well studied (Chanavat 2012, Ceyhan-Birsoy 2015). In summary, although additional studies ar e required to fully establish its clinical significance, this multi exon deletio n is likely pathogenic.

Literature cited by the submitters: PubMed 27066507; PubMed 22314326; PubMed 15166115; PubMed 25512492.

NM_000256.3(MYBPC3):c.(?_26)_(1090_?)del

Gene: MYBPC3 (myosin binding protein C3; minus strand). Cytogenetic location: 11p11.2.
Variant type: Deletion.
Coding change: c.(?_26)_(1090_?)del on transcript NM_000256.3; a large deletion whose breakpoints are not mapped to the base.
Other names: c.(?_26)_(1090_?)del (NM_000256.3, LRG_386t1).
Identifiers: ClinVar variation 517190 (VCV000517190.4).